The following is an entry in ClinVar:

NM_006302.3(MOGS):c.1693C>T (p.Arg565Trp)

Gene: MOGS (mannosyl-oligosaccharide glucosidase; minus strand). Cytogenetic location: 2p13.1.
Variant type: single nucleotide variant.
Coding change: c.1693C>T on transcript NM_006302.3 (MANE Select); coding-DNA position 1693, C replaced by T.
Protein change: p.Arg565Trp; replaces arginine 565 with tryptophan.
Molecular consequence: missense variant.
Genome position (GRCh38, 1-based): chr2:74,462,096, G>A on the plus strand (C>T on the coding strand, the complement: MOGS is on the minus strand). VCF-style: chr2-74462096-G-A. GRCh37 (hg19) VCF-style: chr2-74689223-G-A.
Other names: c.1375C>T, p.Arg459Trp (NM_001146158.2); short protein forms R459W, R565W.
Identifiers: ClinVar variation 1387352 (VCV001387352.6), dbSNP rs745841543, ClinGen allele CA1724736.

ClinVar aggregate classification (germline): Uncertain significance (1 of 4 stars; one submission).

Conditions:
MOGS-congenital disorder of glycosylation. Also called: CDG 2B; MOGS-CDG; CDG IIb; GLUCOSIDASE I DEFICIENCY. Identifiers: Orphanet 79330, MedGen C1853736, MONDO:0011629, OMIM 606056.

Allele frequency attached by ClinVar (database versions not stated): ExAC 0.00001; gnomAD exomes 0.00001; TOPMed 0.00002.
gnomAD v4.1: 39 of 1,614,000 alleles (0.0024%); highest among the groups gnomAD compares: South Asian, 0.0033%; no homozygotes.

Submission:

Labcorp Genetics (formerly Invitae), Labcorp
Classification: Uncertain significance for MOGS-congenital disorder of glycosylation. Last evaluated: 2026-01-12. Review status: criteria provided, single submitter. Criteria: Invitae Variant Classification Sherloc (09022015). Collection method: clinical testing. Allele origin: germline.
Comment: This sequence change replaces arginine, which is basic and polar, with tryptophan, which is neutral and slightly polar, at codon 565 of the MOGS protein (p.Arg565Trp). This variant is present in population databases (rs745841543, gnomAD 0.003%). This variant has not been reported in the literature in individuals affected with MOGS-related conditions. ClinVar contains an entry for this variant (Variation ID: 1387352). Invitae Evidence Modeling of protein sequence and biophysical properties (such as structural, functional, and spatial information, amino acid conservation, physicochemical variation, residue mobility, and thermodynamic stability) indicates that this missense variant is expected to disrupt MOGS protein function with a positive predictive value of 80%. In summary, the available evidence is currently insufficient to determine the role of this variant in disease. Therefore, it has been classified as a Variant of Uncertain Significance.